The following is an entry in ClinVar:

ClinVar aggregate classification (germline): Uncertain significance (1 of 4 stars; one submission).

Conditions:
Loeys-Dietz syndrome 2 (LDS2). Also called: Marfan syndrome, type 2 (formerly); Marfan Syndrome type 2; Marfan like connective tissue disorder; MFS 2; TGFBR2-Related Loeys-Dietz Syndrome; AORTIC ANEURYSM, FAMILIAL THORACIC 3. Identifiers: Orphanet 284973, Orphanet 558, MedGen C2674574, MONDO:0012427, OMIM 610168.

gnomAD v4.1: 9 of 1,608,588 alleles (0.00056%); highest among the groups gnomAD compares: African/African-American, 0.0027%; no homozygotes.

Submission:

Labcorp Genetics (formerly Invitae), Labcorp
Classification: Uncertain significance for Loeys-Dietz syndrome 2. Last evaluated: 2024-09-25. Review status: criteria provided, single submitter. Criteria: Invitae Variant Classification Sherloc (09022015). Collection method: clinical testing. Allele origin: germline.
Comment: This sequence change replaces asparagine, which is neutral and polar, with serine, which is neutral and polar, at codon 49 of the TMPO protein (p.Asn49Ser). This variant is present in population databases (rs763329184, gnomAD 0.009%). This variant has not been reported in the literature in individuals affected with TMPO-related conditions. An algorithm developed to predict the effect of missense changes on protein structure and function (PolyPhen-2) suggests that this variant is likely to be disruptive. In summary, the available evidence is currently insufficient to determine the role of this variant in disease. Therefore, it has been classified as a Variant of Uncertain Significance.

NM_001032283.3(TMPO):c.146A>G (p.Asn49Ser)

Genes: TMPO (thymopoietin; plus strand), TMPO-AS1 (TMPO antisense RNA 1; minus strand). Cytogenetic location: 12q23.1.
Variant type: single nucleotide variant.
Coding change: c.146A>G on transcript NM_001032283.3 (MANE Select); coding-DNA position 146, A replaced by G.
Protein change: p.Asn49Ser; replaces asparagine 49 with serine.
Molecular consequence: missense variant. On other transcripts: non-coding transcript variant (1).
Genome position (GRCh38, 1-based): chr12:98,516,013, A>G. VCF-style: chr12-98516013-A-G. GRCh37 (hg19) VCF-style: chr12-98909791-A-G.
Other names: c.146A>G, p.Asn49Ser (NM_001032284.3, NM_001307975.2, NM_003276.2); short protein forms N49S.
Identifiers: ClinVar variation 3730151 (VCV003730151.2).
Genomic context (GRCh38, chr12:98,516,013, plus strand): 5'-CCGGGGAGCAGCGCAAAGACGTGTACGTCCAGCTCTACCTGCAGCACCTCACGGCTCGCA[A>G]CCGGCCGCCGCTCCCCGCCGGCACCAACAGCAAGGGGCCCCCGGACTTCTCCAGTGACGA-3'
Protein context (NP_001027454.1, residues 39-59): QLYLQHLTAR[Asn49Ser]RPPLPAGTNS